The following is an entry in ClinVar:

NM_033380.3(COL4A5):c.2509+16A>G

Gene: COL4A5 (collagen type IV alpha 5 chain; plus strand). Cytogenetic location: Xq22.3.
Variant type: single nucleotide variant.
Coding change: c.2509+16A>G on transcript NM_033380.3 (MANE Select); 16 bases into the intron after coding-DNA position 2509, A replaced by G.
Molecular consequence: intron variant.
Genome position (GRCh38, 1-based): chrX:108,615,040, A>G. VCF-style: chrX-108615040-A-G. GRCh37 (hg19) VCF-style: chrX-107858270-A-G.
Other names: c.2509+16A>G (NM_000495.5).
Identifiers: ClinVar variation 1394428 (VCV001394428.10), dbSNP rs1365839951, ClinGen allele CA869812172.
Genomic context (GRCh38, chrX:108,615,040, plus strand): 5'-GACCACCAGGACCACCAGGGATTCCTGGGCCAATAGGTCAACCTGGTAAGATTAGAGTAA[A>G]TGTGCATTTTGTAGCACTCATAATATATACATTTGTTAGCTCATCAATAAAGTGAAACCT-3'

ClinVar aggregate classification (germline): Uncertain significance. Review status: criteria provided, multiple submitters, no conflicts (2 of 4 stars). 3 submissions from 3 submitters: Uncertain significance (3). Last evaluated 2025-05-08.

Conditions:
X-linked Alport syndrome (ATS1). Also called: COL4A5-Related Nephropathy; NEPHROPATHY AND DEAFNESS, X-LINKED. Identifiers: Orphanet 63, Orphanet 88917, MedGen C4746986, MONDO:0010520, OMIM 301050.

Allele frequency attached by ClinVar (database versions not stated): TOPMed below 0.00001; gnomAD 0.00001.
gnomAD v4.1: 1 of 1,086,803 alleles (0.000092%); no homozygotes.

Submissions (3):

Women's Health and Genetics/Laboratory Corporation of America, LabCorp
Classification: Uncertain significance. Last evaluated: 2025-05-08. Review status: criteria provided, single submitter. Criteria: LabCorp Variant Classification Summary - May 2015. Collection method: clinical testing. Allele origin: germline.
Comment: Variant summary: COL4A5 c.2509+16A>G alters a conserved nucleotide located at a position not widely known to affect splicing. Several computational tools predict a significant impact on normal splicing: three predict the variant creates a 5' donor site (11 nucleotides downstream from the original site). However, these predictions have yet to be confirmed by functional studies. The variant allele was found at a frequency of 9.2e-07 in 1,082,040 control chromosomes (i.e. in one female carrier in gnomAD v4.1). The available data on variant occurrences in the general population are insufficient to allow any conclusion about variant significance. To our knowledge, no occurrence of c.2509+16A>G in individuals affected with X-Linked Alport Syndrome and no experimental evidence demonstrating its impact on protein function have been reported. ClinVar contains an entry for this variant (Variation ID: 1394428). Based on the evidence outlined above, the variant was classified as uncertain significance.

Fulgent Genetics
Classification: Uncertain significance for X-linked Alport syndrome. Last evaluated: 2024-03-12. Review status: criteria provided, single submitter. Criteria: ACMG Guidelines, 2015. Collection method: clinical testing. Allele origin: germline.

Labcorp Genetics (formerly Invitae), Labcorp
Classification: Uncertain significance. Last evaluated: 2023-12-21. Review status: criteria provided, single submitter. Criteria: Invitae Variant Classification Sherloc (09022015). Collection method: clinical testing. Allele origin: germline.
Comment: This sequence change falls in intron 30 of the COL4A5 gene. It does not directly change the encoded amino acid sequence of the COL4A5 protein. This variant is not present in population databases (gnomAD no frequency). This variant has been observed in individual(s) with Alport syndrome (Inviate). It has also been observed to segregate with disease in related individuals. ClinVar contains an entry for this variant (Variation ID: 1394428). Algorithms developed to predict the effect of sequence changes on RNA splicing suggest that this variant may create or strengthen a splice site. In summary, the available evidence is currently insufficient to determine the role of this variant in disease. Therefore, it has been classified as a Variant of Uncertain Significance.